The following is an entry in ClinVar:

NM_000051.4(ATM):c.8386T>A (p.Phe2796Ile)

Genes: ATM (ATM serine/threonine kinase; plus strand), C11orf65 (chromosome 11 open reading frame 65; minus strand). Cytogenetic location: 11q22.3.
Variant type: single nucleotide variant.
Coding change: c.8386T>A on transcript NM_000051.4 (MANE Select); coding-DNA position 8386, T replaced by A.
Protein change: p.Phe2796Ile; replaces phenylalanine 2796 with isoleucine.
Molecular consequence: missense variant. On other transcripts: intron variant (2).
Genome position (GRCh38, 1-based): chr11:108,343,339, T>A. VCF-style: chr11-108343339-T-A. GRCh37 (hg19) VCF-style: chr11-108214066-T-A.
Other names: c.8386T>A, p.Phe2796Ile (NM_001351834.2); c.641-34268A>T (NM_001330368.2); c.695-8047A>T (NM_001351110.2); short protein forms F2796I.
Identifiers: ClinVar variation 4170022 (VCV004170022.1).

ClinVar aggregate classification (germline): Uncertain significance (1 of 4 stars; one submission).

Conditions:
Hereditary cancer-predisposing syndrome. Also called: Neoplastic Syndromes, Hereditary; Tumor predisposition; Hereditary neoplastic syndrome; Hereditary Cancer Syndrome. Identifiers: Orphanet 140162, MedGen C0027672, MeSH D009386, MONDO:0015356.

Submission:

Ambry Genetics
Classification: Uncertain significance for Hereditary cancer-predisposing syndrome. Last evaluated: 2025-08-12. Review status: criteria provided, single submitter. Criteria: Ambry Variant Classification Scheme 2023. Collection method: clinical testing. Allele origin: germline.
Comment: The p.F2796I variant (also known as c.8386T>A), located in coding exon 56 of the ATM gene, results from a T to A substitution at nucleotide position 8386. The phenylalanine at codon 2796 is replaced by isoleucine, an amino acid with highly similar properties. This amino acid position is conserved. In addition, this alteration is predicted to be tolerated by in silico analysis. Based on the available evidence, the clinical significance of this variant remains unclear.